The following is an entry in ClinVar:

NM_001110556.2(FLNA):c.4388T>C (p.Val1463Ala)

Gene: FLNA (filamin A; minus strand). Cytogenetic location: Xq28.
Variant type: single nucleotide variant.
Coding change: c.4388T>C on transcript NM_001110556.2 (MANE Select); coding-DNA position 4388, T replaced by C.
Protein change: p.Val1463Ala; replaces valine 1463 with alanine.
Molecular consequence: missense variant.
Genome position (GRCh38, 1-based): chrX:154,359,070, A>G on the plus strand (T>C on the coding strand, the complement: FLNA is on the minus strand). VCF-style: chrX-154359070-A-G. GRCh37 (hg19) VCF-style: chrX-153587438-A-G.
Other names: c.4388T>C, p.Val1463Ala (NM_001456.4); short protein forms V1463A.
Identifiers: ClinVar variation 1003173 (VCV001003173.9), dbSNP rs2067684009, ClinGen allele CA415216807.

ClinVar aggregate classification (germline): Uncertain significance (1 of 4 stars; one submission).

Conditions:
Frontometaphyseal dysplasia (FMD1). Identifiers: Orphanet 1826, MedGen C0265293, MONDO:0015942.
Melnick-Needles syndrome (MNS). Also called: MELNICK-NEEDLES OSTEODYSPLASTY; OSTEODYSPLASTY OF MELNICK AND NEEDLES; Melnick-Needles Syndrome (FLNA-MNS). Identifiers: Orphanet 2484, MedGen C0025237, MONDO:0010650, OMIM 309350.
Oto-palato-digital syndrome, type II (OPD2). Also called: FACIOPALATOOSSEOUS SYNDROME; Otopalatodigital Syndrome, Type II; OPD II SYNDROME; Otopalatodigital Syndrome Type 2 (FLNA-OPD2). Identifiers: Orphanet 669, Orphanet 90652, MedGen C1844696, MONDO:0010571, OMIM 304120.
Heterotopia, periventricular, X-linked dominant (PVNH1). Also called: PERIVENTRICULAR NODULAR HETEROTOPIA 1; X-linked periventricular heterotopia; PERIVENTRICULAR NODULAR HETEROTOPIA 4; HETEROTOPIA, PERIVENTRICULAR, 1. Identifiers: Orphanet 2149, Orphanet 82004, MedGen C1848213, MONDO:0010233, OMIM 300049.

Allele frequency attached by ClinVar (database versions not stated): gnomAD exomes below 0.00001.
gnomAD v4.1: 4 of 1,211,191 alleles (0.00033%); highest among the groups gnomAD compares: Non-Finnish European, 0.00045%; no homozygotes.

Submission:

Labcorp Genetics (formerly Invitae), Labcorp
Classification: Uncertain significance for Oto-palato-digital syndrome, type II; Heterotopia, periventricular, X-linked dominant; Frontometaphyseal dysplasia; Melnick-Needles syndrome. Last evaluated: 2025-09-28. Review status: criteria provided, single submitter. Criteria: Invitae Variant Classification Sherloc (09022015). Collection method: clinical testing. Allele origin: germline.
Comment: This sequence change replaces valine, which is neutral and non-polar, with alanine, which is neutral and non-polar, at codon 1463 of the FLNA protein (p.Val1463Ala). This variant is not present in population databases (gnomAD no frequency). This variant has not been reported in the literature in individuals affected with FLNA-related conditions. ClinVar contains an entry for this variant (Variation ID: 1003173). Invitae Evidence Modeling of protein sequence and biophysical properties (such as structural, functional, and spatial information, amino acid conservation, physicochemical variation, residue mobility, and thermodynamic stability) indicates that this missense variant is not expected to disrupt FLNA protein function with a negative predictive value of 95%. In summary, the available evidence is currently insufficient to determine the role of this variant in disease. Therefore, it has been classified as a Variant of Uncertain Significance.